The following is an entry in ClinVar:

NM_006218.4(PIK3CA):c.932T>C (p.Ile311Thr)

Gene: PIK3CA (phosphatidylinositol-4,5-bisphosphate 3-kinase catalytic subunit alpha; plus strand). Cytogenetic location: 3q26.32.
Variant type: single nucleotide variant.
Coding change: c.932T>C on transcript NM_006218.4 (MANE Select); coding-DNA position 932, T replaced by C.
Protein change: p.Ile311Thr; replaces isoleucine 311 with threonine.
Molecular consequence: missense variant.
Genome position (GRCh38, 1-based): chr3:179,203,662, T>C. VCF-style: chr3-179203662-T-C. GRCh37 (hg19) VCF-style: chr3-178921450-T-C.
Other names: short protein forms I311T.
Identifiers: ClinVar variation 2096884 (VCV002096884.4), dbSNP rs2108392942, ClinGen allele CA355280519.

ClinVar aggregate classification (germline): Uncertain significance (1 of 4 stars; one submission).

Conditions:
Cowden syndrome (CS). Also called: Cowden's disease; Cowden's syndrome; Cowden disease. Identifiers: Orphanet 201, MedGen C0018553, MONDO:0016063. Disease mechanism: gain of function.

Submission:

Labcorp Genetics (formerly Invitae), Labcorp
Classification: Uncertain significance for Cowden syndrome. Last evaluated: 2025-07-07. Review status: criteria provided, single submitter. Criteria: Invitae Variant Classification Sherloc (09022015). Collection method: clinical testing. Allele origin: germline.
Comment: This sequence change replaces isoleucine, which is neutral and non-polar, with threonine, which is neutral and polar, at codon 311 of the PIK3CA protein (p.Ile311Thr). This variant is not present in population databases (gnomAD no frequency). This variant has not been reported in the literature in individuals affected with PIK3CA-related conditions. ClinVar contains an entry for this variant (Variation ID: 2096884). Invitae Evidence Modeling of protein sequence and biophysical properties (such as structural, functional, and spatial information, amino acid conservation, physicochemical variation, residue mobility, and thermodynamic stability) indicates that this missense variant is not expected to disrupt PIK3CA protein function with a negative predictive value of 95%. In summary, the available evidence is currently insufficient to determine the role of this variant in disease. Therefore, it has been classified as a Variant of Uncertain Significance.